The following is an entry in ClinVar:

NM_001170629.2(CHD8):c.3037A>G (p.Lys1013Glu)

Gene: CHD8 (chromodomain helicase DNA binding protein 8; minus strand). Cytogenetic location: 14q11.2.
Variant type: single nucleotide variant.
Coding change: c.3037A>G on transcript NM_001170629.2 (MANE Select); coding-DNA position 3037, A replaced by G.
Protein change: p.Lys1013Glu; replaces lysine 1013 with glutamic acid.
Molecular consequence: missense variant.
Genome position (GRCh38, 1-based): chr14:21,405,735, T>C on the plus strand (A>G on the coding strand, the complement: CHD8 is on the minus strand). VCF-style: chr14-21405735-T-C. GRCh37 (hg19) VCF-style: chr14-21873894-T-C.
Other names: c.2200A>G, p.Lys734Glu (NM_020920.4); short protein forms K734E, K1013E.
Identifiers: ClinVar variation 5034533 (VCV005034533.1).

ClinVar aggregate classification (germline): Uncertain significance (1 of 4 stars; one submission).

Conditions:
Inborn genetic diseases. Identifiers: MedGen C0950123, MeSH D030342.

Submission:

Ambry Genetics
Classification: Uncertain significance for Inborn genetic diseases. Last evaluated: 2026-07-23. Review status: criteria provided, single submitter. Criteria: Ambry Variant Classification Scheme 2023. Collection method: clinical testing. Allele origin: germline.
Comment: The c.3037A>G (p.K1013E) alteration is located in exon 14 (coding exon 14) of the CHD8 gene. This alteration results from a A to G substitution at nucleotide position 3037, causing the lysine (K) at amino acid position 1013 to be replaced by a glutamic acid (E). Based on data from gnomAD, the G allele has an overall frequency of <0.001% (1/249074) total alleles studied. The highest observed frequency was 0.001% (1/112910) of European (non-Finnish) alleles. Based on insufficient or conflicting evidence, the clinical significance of this alteration remains unclear.